The following is an entry in ClinVar:

ClinVar aggregate classification (germline): Uncertain significance (1 of 4 stars; one submission).

Conditions:
Immunodeficiency 104. Also called: SCID, AUTOSOMAL RECESSIVE, T CELL-NEGATIVE, B CELL-POSITIVE, NK CELL-POSITIVE; IMMUNODEFICIENCY 104, SEVERE COMBINED; Severe Combined Immune Deficiency, Autosomal Recessive, TCell -Negative, B Cell-Positive, NK Cell-Positive, IL7R-Related; Severe combined immunodeficiency, autosomal recessive, T cell-negative, B cell-positive, NK cell-positive. Identifiers: MedGen C5676890, MONDO:0012163, OMIM 608971.

Allele frequency attached by ClinVar (database versions not stated): gnomAD exomes below 0.00001; gnomAD 0.00001 and 0.00002; TOPMed 0.00001.

Submission:

Labcorp Genetics (formerly Invitae), Labcorp
Classification: Uncertain significance for Immunodeficiency 104. Last evaluated: 2021-02-15. Review status: criteria provided, single submitter. Criteria: Invitae Variant Classification Sherloc (09022015). Collection method: clinical testing. Allele origin: germline.
Comment: In summary, the available evidence is currently insufficient to determine the role of this variant in disease. Therefore, it has been classified as a Variant of Uncertain Significance. Algorithms developed to predict the effect of missense changes on protein structure and function output the following: SIFT: "Deleterious"; PolyPhen-2: "Benign"; Align-GVGD: "Class C0". The leucine amino acid residue is found in multiple mammalian species, suggesting that this missense change does not adversely affect protein function. These predictions have not been confirmed by published functional studies and their clinical significance is uncertain. This variant has not been reported in the literature in individuals with PTPRC-related conditions. This variant is not present in population databases (ExAC no frequency). This sequence change replaces proline with leucine at codon 181 of the PTPRC protein (p.Pro181Leu). The proline residue is highly conserved and there is a moderate physicochemical difference between proline and leucine.

NM_002838.5(PTPRC):c.542C>T (p.Pro181Leu)

Gene: PTPRC (protein tyrosine phosphatase receptor type C; plus strand). Cytogenetic location: 1q32.1.
Variant type: single nucleotide variant.
Coding change: c.542C>T on transcript NM_002838.5 (MANE Select); coding-DNA position 542, C replaced by T.
Protein change: p.Pro181Leu; replaces proline 181 with leucine.
Molecular consequence: missense variant. On other transcripts: intron variant (1).
Genome position (GRCh38, 1-based): chr1:198,702,489, C>T. VCF-style: chr1-198702489-C-T. GRCh37 (hg19) VCF-style: chr1-198671618-C-T.
Other names: c.101-809C>T (NM_080921.4); short protein forms P181L.
Identifiers: ClinVar variation 1488883 (VCV001488883.6), dbSNP rs1470776251, ClinGen allele CA344097626.